The following is an entry in ClinVar:

ClinVar aggregate classification (germline): Uncertain significance (1 of 4 stars; one submission).

Conditions:
Long QT syndrome (LQTS). Identifiers: MedGen C0023976, MeSH D008133, MONDO:0002442. Disease mechanism: loss of function. Inheritance: Various modes of inheritance.

Allele frequency attached by ClinVar (database versions not stated): gnomAD 0.00001; TOPMed 0.00001.
gnomAD v4.1: 14 of 1,473,044 alleles (0.00095%); highest among the groups gnomAD compares: Non-Finnish European, 0.0013%; no homozygotes.

Submission:

Labcorp Genetics (formerly Invitae), Labcorp
Classification: Uncertain significance for Long QT syndrome. Last evaluated: 2023-10-07. Review status: criteria provided, single submitter. Criteria: Invitae Variant Classification Sherloc (09022015). Collection method: clinical testing. Allele origin: germline.
Comment: This sequence change replaces phenylalanine, which is neutral and non-polar, with leucine, which is neutral and non-polar, at codon 163 of the KCNH2 protein (p.Phe163Leu). This variant is not present in population databases (gnomAD no frequency). This variant has not been reported in the literature in individuals affected with KCNH2-related conditions. An algorithm developed to predict the effect of missense changes on protein structure and function (PolyPhen-2) suggests that this variant is likely to be tolerated. In summary, the available evidence is currently insufficient to determine the role of this variant in disease. Therefore, it has been classified as a Variant of Uncertain Significance.

NM_000238.4(KCNH2):c.489C>G (p.Phe163Leu)

Gene: KCNH2 (potassium voltage-gated channel subfamily H member 2; minus strand). Cytogenetic location: 7q36.1.
Variant type: single nucleotide variant.
Coding change: c.489C>G on transcript NM_000238.4 (MANE Select); coding-DNA position 489, C replaced by G.
Protein change: p.Phe163Leu; replaces phenylalanine 163 with leucine.
Molecular consequence: missense variant. On other transcripts: non-coding transcript variant (1).
Genome position (GRCh38, 1-based): chr7:150,958,486, G>C on the plus strand (C>G on the coding strand, the complement: KCNH2 is on the minus strand). VCF-style: chr7-150958486-G-C. GRCh37 (hg19) VCF-style: chr7-150655574-G-C.
Other names: c.201C>G, p.Phe67Leu (NM_001406753.1, NM_001406756.1); c.312C>G, p.Phe104Leu (NM_001406755.1); c.189C>G, p.Phe63Leu (NM_001406757.1); c.489C>G, p.Phe163Leu (NM_172056.3); short protein forms F104L, F63L, F67L, F163L.
Identifiers: ClinVar variation 3022349 (VCV003022349.3), dbSNP rs1307704357, ClinGen allele CA369863542.